The following is an entry in ClinVar:

ClinVar aggregate classification (germline): Benign. Review status: criteria provided, multiple submitters, no conflicts (2 of 4 stars). 3 submissions from 3 submitters: Benign (2). 1 of the submissions does not count toward it. Last evaluated 2019-12-31.

Conditions:
PREX2-related disorder. Also called: PREX2-related condition.

Allele frequency attached by ClinVar (database versions not stated): 1000 Genomes Project 0.00559; ESP Exome Variant Server 0.00730; gnomAD 0.00714 and 0.00663; TOPMed 0.00750; 1000 Genomes Project 30x 0.00718.
gnomAD v4.1: 1,965 of 1,613,666 alleles (0.12%); highest among the groups gnomAD compares: African/African-American, 2.3%; 21 homozygotes.

Submissions (7):

Labcorp Genetics (formerly Invitae), Labcorp
Classification: Benign. Last evaluated: 2019-12-31. Review status: criteria provided, single submitter. Criteria: Invitae Variant Classification Sherloc (09022015). Collection method: clinical testing. Allele origin: germline.

Breakthrough Genomics
Classification: Benign. Review status: criteria provided, single submitter. Criteria: ACMG Guidelines, 2015. Collection method: not provided. Allele origin: germline. Inheritance: Unknown mechanism. Affected: yes.

PreventionGenetics, part of Exact Sciences
Classification: Benign for PREX2-related condition. Last evaluated: 2019-05-21. Review status: no assertion criteria provided. Collection method: clinical testing. Allele origin: germline. Not counted in ClinVar's aggregate classification.
Comment: This variant is classified as benign based on ACMG/AMP sequence variant interpretation guidelines (Richards et al. 2015 PMID: 25741868, with internal and published modifications).

Dr. Peter K. Rogan Lab, Western University
No classification provided (evidence only). Condition: Lung cancer. Review status: no classification provided. Collection method: in vitro. Allele origin: not applicable. Functional consequence: retained intron. Not counted in ClinVar's aggregate classification.

Dr. Peter K. Rogan Lab, Western University
No classification provided (evidence only). Condition: Uterine corpus endometrial carcinoma. Review status: no classification provided. Collection method: in vitro. Allele origin: not applicable. Functional consequence: retained intron. Not counted in ClinVar's aggregate classification.

Dr. Peter K. Rogan Lab, Western University
No classification provided (evidence only). Condition: Uterine corpus endometrial carcinoma. Review status: no classification provided. Collection method: in vitro. Allele origin: not applicable. Functional consequence: retained intron. Not counted in ClinVar's aggregate classification.

Dr. Peter K. Rogan Lab, Western University
No classification provided (evidence only). Condition: Ovarian serous cystadenocarcinoma. Review status: no classification provided. Collection method: in vitro. Allele origin: not applicable. Functional consequence: retained intron. Not counted in ClinVar's aggregate classification.

NM_024870.4(PREX2):c.4545G>A (p.Ser1515=)

Gene: PREX2 (phosphatidylinositol-3,4,5-trisphosphate dependent Rac exchange factor 2; plus strand). Cytogenetic location: 8q13.2.
Variant type: single nucleotide variant.
Coding change: c.4545G>A on transcript NM_024870.4 (MANE Select); coding-DNA position 4545, G replaced by A.
Protein change: p.Ser1515=; no amino-acid change (serine 1515 retained).
Molecular consequence: synonymous variant.
Genome position (GRCh38, 1-based): chr8:68,192,466, G>A. VCF-style: chr8-68192466-G-A. GRCh37 (hg19) VCF-style: chr8-69104701-G-A.
Other names: NC_000008.10:g.69104701G>A.
Identifiers: ClinVar variation 768243 (VCV000768243.8), dbSNP rs116570374, ClinGen allele CA4774818.
Genomic context (GRCh38, chr8:68,192,466, plus strand): 5'-AGCTGCCTGTGCAAACACAGCTTGCAGTGCTTCTGGGGTTGGACTGCTGTCAGTTTCCTC[G>A]GAGCTGTGCAACAGGCTGGGCGCCTGCCACATCATCATGTGCAGCAGCGGTGTGCATCGG-3'
Protein context (NP_079146.2, residues 1505-1525): ASGVGLLSVS[Ser1515=]ELCNRLGACH